The following is an entry in ClinVar:

NM_004937.3(CTNS):c.429C>A (p.Tyr143Ter)

Genes: CTNS (cystinosin, lysosomal cystine transporter; plus strand), CTNS-AS1 (CTNS antisense RNA 1; minus strand). Cytogenetic location: 17p13.2.
Variant type: single nucleotide variant.
Coding change: c.429C>A on transcript NM_004937.3 (MANE Select); coding-DNA position 429, C replaced by A.
Protein change: p.Tyr143Ter; replaces tyrosine 143 with a stop codon.
Molecular consequence: nonsense. On other transcripts: 5 prime UTR variant (4).
Genome position (GRCh38, 1-based): chr17:3,655,320, C>A. VCF-style: chr17-3655320-C-A. GRCh37 (hg19) VCF-style: chr17-3558614-C-A.
Other names: c.429C>A, p.Tyr143Ter (NM_001031681.3, NM_001374492.1); c.-13C>A (NM_001374493.1, NM_001374494.1, NM_001374495.1 and 1 more transcripts); short protein forms Y143*.
Identifiers: ClinVar variation 654346 (VCV000654346.11), dbSNP rs1597647930, ClinGen allele CA397690783.

ClinVar aggregate classification (germline): Pathogenic/Likely pathogenic. Review status: criteria provided, multiple submitters, no conflicts (2 of 4 stars). 3 submissions from 3 submitters: Pathogenic (2); Likely pathogenic (1). Last evaluated 2024-05-08.

Conditions:
Ocular cystinosis. Also called: Non-Nephropathic (Ocular) Cystinosis; Non-Nephropathic Cystinosis. Identifiers: Orphanet 213, Orphanet 411641, MedGen C2931013, MONDO:0009064, OMIM 219750.
Juvenile nephropathic cystinosis. Also called: Later-Onset (Juvenile) Cystinosis; Intermediate Cystinosis; CYSTINOSIS, LATE-ONSET JUVENILE OR ADOLESCENT NEPHROPATHIC TYPE. Identifiers: Orphanet 213, Orphanet 411634, MedGen C0268626, MONDO:0009066, OMIM 219900.
Inborn genetic diseases. Identifiers: MedGen C0950123, MeSH D030342.
Nephropathic cystinosis (CTNS). Also called: Abderhalden Lignac Kaufmann disease; Abderhalden-Kaufmann-Lignac syndrome; CYSTINOSIN, DEFECT OF; LYSOSOMAL CYSTINE TRANSPORT PROTEIN, DEFECT OF. Identifiers: Orphanet 213, Orphanet 411629, MedGen C2931187, MONDO:0100151, OMIM 219800.
Cystinosis. Also called: Cystine diathesis; Cystine storage disease; Cystinoses. Identifiers: Orphanet 213, MedGen C4316899, MONDO:0016239.

Submissions (3):

Myriad Genetics, Inc.
Classification: Pathogenic for Cystinosis. Last evaluated: 2024-05-08. Review status: criteria provided, single submitter. Criteria: Myriad Autosomal Dominant, Autosomal Recessive and X-Linked Classification Criteria (2023). Collection method: clinical testing. Allele origin: unknown.
Comment: NM_004937.2(CTNS):c.429C>A(Y143*) is expected to be pathogenic in the context of cystinosis. This variant is predicted to lead to an abnormal or absent protein product due to the creation of a premature termination codon in CTNS, a gene where loss-of-function variants are known to be pathogenic. Please note: this variant was assessed in the context of healthy population screening.

Baylor Genetics
Classification: Likely pathogenic for Nephropathic cystinosis. Last evaluated: 2023-06-27. Review status: criteria provided, single submitter. Criteria: ACMG Guidelines, 2015. Collection method: clinical testing. Allele origin: unknown.

Labcorp Genetics (formerly Invitae), Labcorp
Classification: Pathogenic for Inborn genetic diseases; Ocular cystinosis; Juvenile nephropathic cystinosis. Last evaluated: 2018-12-07. Review status: criteria provided, single submitter. Criteria: Invitae Variant Classification Sherloc (09022015). Collection method: clinical testing. Allele origin: germline.
Comment: For these reasons, this variant has been classified as Pathogenic. Loss-of-function variants in CTNS are known to be pathogenic (PMID: 9537412, 27102039). This variant has not been reported in the literature in individuals with CTNS-related conditions. This variant is not present in population databases (ExAC no frequency). This sequence change creates a premature translational stop signal (p.Tyr143*) in the CTNS gene. It is expected to result in an absent or disrupted protein product.

Literature cited by the submitters: PubMed 9537412 (cited by Labcorp Genetics (formerly Invitae), Labcorp); PubMed 27102039 (cited by Labcorp Genetics (formerly Invitae), Labcorp).